The following is an entry in ClinVar:

NM_013382.7(POMT2):c.2228G>T (p.Arg743Met)

Gene: POMT2 (protein O-mannosyltransferase 2; minus strand). Cytogenetic location: 14q24.3.
Variant type: single nucleotide variant.
Coding change: c.2228G>T on transcript NM_013382.7 (MANE Select); coding-DNA position 2228, G replaced by T.
Protein change: p.Arg743Met; replaces arginine 743 with methionine.
Molecular consequence: missense variant.
Genome position (GRCh38, 1-based): chr14:77,277,401, C>A on the plus strand (G>T on the coding strand, the complement: POMT2 is on the minus strand). VCF-style: chr14-77277401-C-A. GRCh37 (hg19) VCF-style: chr14-77743744-C-A.
Other names: short protein forms R743M.
Identifiers: ClinVar variation 471392 (VCV000471392.11), dbSNP rs767359121, ClinGen allele CA390512576.
Genomic context (GRCh38, chr14:77,277,401, plus strand): 5'-GTTCCTGGACCCAGGCTGGAATCTTTGCAGTGGCCTCAAAAGTCCCATGAGTCCAGCCAC[C>A]TTAGTCCTGCCATTGGACTTTGGGGGTCCTGGGCCAGGGGACCAACCATCCCGTAAGCCA-3'
Protein context (NP_037514.2, residues 733-750): QDPQSPMAGL[Arg743Met]WLDSWDF

ClinVar aggregate classification (germline): Uncertain significance (1 of 4 stars; one submission).

Conditions:
Muscular dystrophy-dystroglycanopathy (congenital with brain and eye anomalies), type A2. Also called: MUSCULAR DYSTROPHY-DYSTROGLYCANOPATHY (CONGENITAL WITH BRAIN AND EYE ANOMALIES), TYPE A, 2; WALKER-WARBURG SYNDROME OR MUSCLE-EYE-BRAIN DISEASE, POMT2-RELATED. Identifiers: Orphanet 588, Orphanet 899, MedGen C3150411, MONDO:0013154, OMIM 613150.
Muscular dystrophy-dystroglycanopathy (congenital with impaired intellectual development), type B, 2. Also called: Muscular dystrophy-dystroglycanopathy (congenital with intellectual disability), type B2; MUSCULAR DYSTROPHY, CONGENITAL, POMT2-RELATED. Identifiers: MedGen C3150416, MONDO:0013160, OMIM 613156.
Autosomal recessive limb-girdle muscular dystrophy type 2N. Also called: Muscular dystrophy-dystroglycanopathy (limb-girdle), type C, 2; MUSCULAR DYSTROPHY-DYSTROGLYCANOPATHY, LIMB-GIRDLE, POMT2-RELATED. Identifiers: Orphanet 206559, MedGen C3150418, MONDO:0013162, OMIM 613158.

Submission:

Labcorp Genetics (formerly Invitae), Labcorp
Classification: Uncertain significance for Muscular dystrophy-dystroglycanopathy (congenital with impaired intellectual development), type B, 2; Muscular dystrophy-dystroglycanopathy (congenital with brain and eye anomalies), type A2; Autosomal recessive limb-girdle muscular dystrophy type 2N. Last evaluated: 2025-07-21. Review status: criteria provided, single submitter. Criteria: Invitae Variant Classification Sherloc (09022015). Collection method: clinical testing. Allele origin: germline.
Comment: This sequence change replaces arginine, which is basic and polar, with methionine, which is neutral and non-polar, at codon 743 of the POMT2 protein (p.Arg743Met). This variant is not present in population databases (gnomAD no frequency). This variant has not been reported in the literature in individuals affected with POMT2-related conditions. ClinVar contains an entry for this variant (Variation ID: 471392). Invitae Evidence Modeling of protein sequence and biophysical properties (such as structural, functional, and spatial information, amino acid conservation, physicochemical variation, residue mobility, and thermodynamic stability) indicates that this missense variant is not expected to disrupt POMT2 protein function with a negative predictive value of 80%. In summary, the available evidence is currently insufficient to determine the role of this variant in disease. Therefore, it has been classified as a Variant of Uncertain Significance.